The following is an entry in ClinVar:

NM_005629.4(SLC6A8):c.464G>T (p.Gly155Val)

Gene: SLC6A8 (solute carrier family 6 member 8; plus strand). Cytogenetic location: Xq28.
Variant type: single nucleotide variant.
Coding change: c.464G>T on transcript NM_005629.4 (MANE Select); coding-DNA position 464, G replaced by T.
Protein change: p.Gly155Val; replaces glycine 155 with valine.
Molecular consequence: missense variant.
Genome position (GRCh38, 1-based): chrX:153,691,373, G>T. VCF-style: chrX-153691373-G-T. GRCh37 (hg19) VCF-style: chrX-152956828-G-T.
Other names: c.464G>T, p.Gly155Val (NM_001142805.2); c.119G>T, p.Gly40Val (NM_001142806.1); short protein forms G40V, G155V.
Identifiers: ClinVar variation 1998657 (VCV001998657.4), dbSNP rs2522155913, ClinGen allele CA415078678.

ClinVar aggregate classification (germline): Uncertain significance (1 of 4 stars; one submission).

Conditions:
Creatine transporter deficiency (CCDS1). Also called: CEREBRAL CREATINE DEFICIENCY SYNDROME 1; Creatine Transporter (CRTR) Deficiency; Mental retardation , X-linked with seizures, short stature and midface hypoplasia; Mental retardation , X-linked, with creatine transport deficiency; X-linked creatine transporter deficiency; X-linked creatine deficiency syndrome. Identifiers: Orphanet 52503, MedGen C1845862, MONDO:0010305, OMIM 300352.

Submission:

Labcorp Genetics (formerly Invitae), Labcorp
Classification: Uncertain significance for Creatine transporter deficiency. Last evaluated: 2022-05-25. Review status: criteria provided, single submitter. Criteria: Invitae Variant Classification Sherloc (09022015). Collection method: clinical testing. Allele origin: germline.
Comment: In summary, the available evidence is currently insufficient to determine the role of this variant in disease. Therefore, it has been classified as a Variant of Uncertain Significance. Advanced modeling of protein sequence and biophysical properties (such as structural, functional, and spatial information, amino acid conservation, physicochemical variation, residue mobility, and thermodynamic stability) performed at Invitae indicates that this missense variant is not expected to disrupt SLC6A8 protein function. This variant has not been reported in the literature in individuals affected with SLC6A8-related conditions. This variant is not present in population databases (gnomAD no frequency). This sequence change replaces glycine, which is neutral and non-polar, with valine, which is neutral and non-polar, at codon 155 of the SLC6A8 protein (p.Gly155Val).